The following is an entry in ClinVar:

ClinVar aggregate classification (germline): Uncertain significance. Review status: criteria provided, multiple submitters, no conflicts (2 of 4 stars). 2 submissions from 2 submitters: Uncertain significance (2). Last evaluated 2023-07-13.

Conditions:
Alstrom syndrome (ALMS). Identifiers: Orphanet 64, MedGen C0268425, MONDO:0008763, OMIM 203800.

Allele frequency attached by ClinVar (database versions not stated): TOPMed below 0.00001.

Submissions (2):

Labcorp Genetics (formerly Invitae), Labcorp
Classification: Uncertain significance for Alstrom syndrome. Last evaluated: 2023-07-13. Review status: criteria provided, single submitter. Criteria: Invitae Variant Classification Sherloc (09022015). Collection method: clinical testing. Allele origin: germline.
Comment: This variant is not present in population databases (gnomAD no frequency). This sequence change replaces isoleucine, which is neutral and non-polar, with methionine, which is neutral and non-polar, at codon 2004 of the ALMS1 protein (p.Ile2004Met). This variant has not been reported in the literature in individuals affected with ALMS1-related conditions. In summary, the available evidence is currently insufficient to determine the role of this variant in disease. Therefore, it has been classified as a Variant of Uncertain Significance. Experimental studies and prediction algorithms are not available or were not evaluated, and the functional significance of this variant is currently unknown. ClinVar contains an entry for this variant (Variation ID: 1975268).

Clinical Genomics Laboratory, Stanford Medicine
Classification: Uncertain significance for Alstrom syndrome. Last evaluated: 2023-02-20. Review status: criteria provided, single submitter. Criteria: ACMG Guidelines, 2015. Collection method: clinical testing. Allele origin: germline. Observed: 1 variant allele, 1 heterozygote.
Comment: The p.Ile2002Met variant (also known as p.Ile2004Met) in the ALMS1 gene has not been previously reported in association with disease. This variant was absent from large population databases, including the Genome Aggregation Database. This variant is present in ClinVar (VCV001975268.4). Computational tools predict that this variant does not impact protein function; however, the accuracy of in silico algorithms is limited. These data were assessed using the ACMG/AMP variant interpretation guidelines. In summary, the significance of the p.Ile2002Met variant is uncertain. Additional information is needed to resolve the significance of this variant. [ACMG evidence codes used: PM2; BP4]

NM_001378454.1(ALMS1):c.6009A>G (p.Ile2003Met)

Gene: ALMS1 (ALMS1 centrosome and basal body associated protein; plus strand). Cytogenetic location: 2p13.1.
Variant type: single nucleotide variant.
Coding change: c.6009A>G on transcript NM_001378454.1 (MANE Select); coding-DNA position 6009, A replaced by G.
Protein change: p.Ile2003Met; replaces isoleucine 2003 with methionine.
Molecular consequence: missense variant.
Genome position (GRCh38, 1-based): chr2:73,452,536, A>G. VCF-style: chr2-73452536-A-G. GRCh37 (hg19) VCF-style: chr2-73679663-A-G.
Other names: c.6012A>G, p.Ile2004Met (NM_015120.4); short protein forms I2003M, I2004M.
Identifiers: ClinVar variation 1975268 (VCV001975268.5), dbSNP rs1671968541, ClinGen allele CA347284387.